The following is an entry in ClinVar:

NM_017514.5(PLXNA3):c.4455G>A (p.Pro1485=)

Gene: PLXNA3 (plexin A3; plus strand). Cytogenetic location: Xq28.
Variant type: single nucleotide variant.
Coding change: c.4455G>A on transcript NM_017514.5 (MANE Select); coding-DNA position 4455, G replaced by A.
Protein change: p.Pro1485=; no amino-acid change (proline 1485 retained).
Molecular consequence: synonymous variant.
Genome position (GRCh38, 1-based): chrX:154,469,076, G>A. VCF-style: chrX-154469076-G-A. GRCh37 (hg19) VCF-style: chrX-153697419-G-A.
Identifiers: ClinVar variation 3355606 (VCV003355606.1).

ClinVar aggregate classification (germline): Uncertain significance (0 of 4 stars; one submission).

Conditions:
PLXNA3-related disorder. Also called: PLXNA3-related condition.

gnomAD v4.1: 15 of 1,211,384 alleles (0.0012%); highest among the groups gnomAD compares: East Asian, 0.0059%; no homozygotes.

Submission:

PreventionGenetics, part of Exact Sciences
Classification: Uncertain significance for PLXNA3-related condition. Last evaluated: 2024-01-30. Review status: no assertion criteria provided. Collection method: clinical testing. Allele origin: germline.
Comment: The PLXNA3 c.4455G>A variant is not predicted to result in an amino acid change (p.=). This variant is predicted to alter splicing based on available splicing prediction programs (SpliceAI, Jaganathan et al. 2019. PubMed ID: 30661751). However, the use of computer prediction programs is not equivalent to functional evidence. To our knowledge, this variant has not been reported in the literature. This variant is reported in 0.0037% of alleles in individuals of Latino descent in gnomAD. At this time, the clinical significance of this variant is uncertain due to the absence of conclusive functional and genetic evidence.